The following is an entry in ClinVar:

ClinVar aggregate classification (germline): Uncertain significance. Review status: criteria provided, multiple submitters, no conflicts (2 of 4 stars). 3 submissions from 3 submitters: Uncertain significance (3). Last evaluated 2025-08-13.

Conditions:
Inborn genetic diseases. Identifiers: MedGen C0950123, MeSH D030342.

Allele frequency attached by ClinVar (database versions not stated): gnomAD 0.00001; gnomAD exomes 0.00001; ExAC 0.00002; TOPMed 0.00003.
gnomAD v4.1: 13 of 1,612,938 alleles (0.00081%); highest among the groups gnomAD compares: Admixed American, 0.0033%; no homozygotes.

Submissions (3):

Ambry Genetics
Classification: Uncertain significance for Inborn genetic diseases. Last evaluated: 2025-08-13. Review status: criteria provided, single submitter. Criteria: Ambry Variant Classification Scheme 2023. Collection method: clinical testing. Allele origin: germline.

Labcorp Genetics (formerly Invitae), Labcorp
Classification: Uncertain significance. Last evaluated: 2021-10-22. Review status: criteria provided, single submitter. Criteria: Invitae Variant Classification Sherloc (09022015). Collection method: clinical testing. Allele origin: germline.
Comment: In summary, the available evidence is currently insufficient to determine the role of this variant in disease. Therefore, it has been classified as a Variant of Uncertain Significance. Algorithms developed to predict the effect of missense changes on protein structure and function (SIFT, PolyPhen-2, Align-GVGD) all suggest that this variant is likely to be disruptive. This variant has not been reported in the literature in individuals affected with PMPCB-related conditions. This variant is present in population databases (rs776345549, gnomAD 0.006%). This sequence change replaces asparagine, which is neutral and polar, with serine, which is neutral and polar, at codon 97 of the PMPCB protein (p.Asn97Ser).

Laboratorio de Genetica e Diagnostico Molecular, Hospital Israelita Albert Einstein
Classification: Uncertain significance. Last evaluated: 2021-01-29. Review status: criteria provided, single submitter. Criteria: ACMG Guidelines, 2015. Collection method: clinical testing. Allele origin: germline. Affected: yes.
Comment: ACMG classification criteria: PM2, BP4

NM_004279.3(PMPCB):c.290A>G (p.Asn97Ser)

Gene: PMPCB (peptidase, mitochondrial processing subunit beta; plus strand). Cytogenetic location: 7q22.1.
Variant type: single nucleotide variant.
Coding change: c.290A>G on transcript NM_004279.3 (MANE Select); coding-DNA position 290, A replaced by G.
Protein change: p.Asn97Ser; replaces asparagine 97 with serine.
Molecular consequence: missense variant.
Genome position (GRCh38, 1-based): chr7:103,299,492, A>G. VCF-style: chr7-103299492-A-G. GRCh37 (hg19) VCF-style: chr7-102939939-A-G.
Other names: c.290A>G (NM_004279.2); short protein forms N97S.
Identifiers: ClinVar variation 1476763 (VCV001476763.9), dbSNP rs776345549, ClinGen allele CA4417896.